The following is an entry in ClinVar:

ClinVar aggregate classification (germline): Uncertain significance (1 of 4 stars; one submission).

Conditions:
Coffin-Siris syndrome 8. Identifiers: MedGen C5193054, MONDO:0032702, OMIM 618362.

Submission:

Centre for Mendelian Genomics, University Medical Centre Ljubljana
Classification: Uncertain significance for Coffin-Siris syndrome 8. Last evaluated: 2020-01-16. Review status: criteria provided, single submitter. Criteria: ACMG Guidelines, 2015. Collection method: clinical testing. Allele origin: unknown. Affected: yes.
Comment: This variant was classified as: Uncertain significance. The available evidence on this variant's pathogenicity is insufficient or conflicting. The following ACMG criteria were applied in classifying this variant: PM2,BP4.

NM_001330288.2(SMARCC2):c.434G>C (p.Cys145Ser)

Gene: SMARCC2 (SWI/SNF related, matrix associated, actin dependent regulator of chromatin subfamily c member 2; minus strand). Cytogenetic location: 12q13.2.
Variant type: single nucleotide variant.
Coding change: c.434G>C on transcript NM_001330288.2 (MANE Select); coding-DNA position 434, G replaced by C.
Protein change: p.Cys145Ser; replaces cysteine 145 with serine.
Molecular consequence: missense variant.
Genome position (GRCh38, 1-based): chr12:56,184,902, C>G on the plus strand (G>C on the coding strand, the complement: SMARCC2 is on the minus strand). VCF-style: chr12-56184902-C-G. GRCh37 (hg19) VCF-style: chr12-56578686-C-G.
Other names: c.434G>C, p.Cys145Ser (NM_001130420.3, NM_003075.5, NM_139067.4); short protein forms C145S.
Identifiers: ClinVar variation 930686 (VCV000930686.3), dbSNP rs1876933164, ClinGen allele CA385356566.